The following is an entry in ClinVar:

ClinVar aggregate classification (germline): Conflicting classifications of pathogenicity. Review status: criteria provided, conflicting classifications (1 of 4 stars). 7 submissions from 7 submitters: Uncertain significance (3); Likely benign (4). Last evaluated 2025-12-10.

Conditions:
Adams-Oliver syndrome 5 (AOS5). Identifiers: Orphanet 974, MedGen C4014970, MONDO:0014459, OMIM 616028.
Aortic valve disease 1 (AOVD1). Identifiers: MedGen C3887892, MONDO:0024523, OMIM 109730.
Cataract. Also called: Cataract (disease); cataracts. Identifiers: MedGen C0086543, MeSH D002386, MONDO:0005129, HP:0000518.
Familial thoracic aortic aneurysm and aortic dissection (TAAD). Also called: Thoracic aortic aneurysms and dissections. Identifiers: Orphanet 91387, MedGen C4707243, MONDO:0019625.

Allele frequency attached by ClinVar (database versions not stated): ESP Exome Variant Server 0.00008; gnomAD 0.00009; gnomAD exomes 0.00009 and 0.00014; ExAC 0.00010; TOPMed 0.00012.
gnomAD v4.1: 209 of 1,607,914 alleles (0.013%); highest among the groups gnomAD compares: African/African-American, 0.019%; no homozygotes.

Submissions (7):

Labcorp Genetics (formerly Invitae), Labcorp
Classification: Likely benign for Adams-Oliver syndrome 5. Last evaluated: 2025-12-10. Review status: criteria provided, single submitter. Criteria: Invitae Variant Classification Sherloc (09022015). Collection method: clinical testing. Allele origin: germline.

ARUP Laboratories, Molecular Genetics and Genomics, ARUP Laboratories
Classification: Uncertain significance. Last evaluated: 2025-04-10. Review status: criteria provided, single submitter. Criteria: ARUP Molecular Germline Variant Investigation Process 2024. Collection method: clinical testing. Allele origin: germline.
Comment: The NOTCH1 c.3334G>A; p.Val1112Ile variant (rs370696201, ClinVar Variation ID: 582318) is reported in the literature in an individual affected with thoracic aortic aneurysm and/or dissection, although it was also noted in at least one healthy relative (Li 2021). This variant is found in the general population with an overall allele frequency of 0.0091% (25/273,398 alleles) in the Genome Aggregation Database (v2.1.1). Computational analyses predict that this variant is neutral (REVEL: 0.074). However, due to limited information, the clinical significance of this variant is uncertain at this time. References: Li J et al. Genetic testing and clinical relevance of patients with thoracic aortic aneurysm and dissection in northwestern China. Mol Genet Genomic Med. 2021 Oct;9(10):e1800. PMID: 34498425.

Blueprint Genetics
Classification: Likely benign. Last evaluated: 2024-11-27. Review status: criteria provided, single submitter. Criteria: ACMG Guidelines, 2015. Collection method: clinical testing. Allele origin: germline.

Ambry Genetics
Classification: Likely benign for Familial thoracic aortic aneurysm and aortic dissection. Last evaluated: 2023-08-14. Review status: criteria provided, single submitter. Criteria: Ambry Variant Classification Scheme 2023. Collection method: clinical testing. Allele origin: germline.

GeneDx
Classification: Uncertain significance. Last evaluated: 2021-10-22. Review status: criteria provided, single submitter. Criteria: GeneDx Variant Classification Process June 2021. Collection method: clinical testing. Allele origin: germline. Affected: yes.
Comment: Has not been previously published as pathogenic or benign to our knowledge; In silico analysis supports that this missense variant does not alter protein structure/function; Reported in ClinVar (ClinVar Variant ID# 582318; Landrum et al., 2016)

Cambridge Genomics Laboratory, East Genomic Laboratory Hub, NHS Genomic Medicine Service
Classification: Likely benign for Cataract. Last evaluated: 2020-02-11. Review status: criteria provided, single submitter. Criteria: ACGS Best Practice Guidelines for Variant Classification in Rare Disease 2020. Collection method: clinical testing. Allele origin: germline. Affected: yes. Observed: 1 variant allele.

Center for Genomics, Ann and Robert H. Lurie Children's Hospital of Chicago
Classification: Uncertain significance for Adams-Oliver syndrome 5; Aortic valve disease 1. Review status: criteria provided, single submitter. Criteria: ACMG Guidelines, 2015. Collection method: clinical testing. Allele origin: germline.
Comment: NOTCH1 NM_017617.4 exon 21 p.Val1112Ile (c.3334G>A): This variant has not been reported in the literature but is present in 0.01% (7/35190) of Latino alleles in the Genome Aggregation Database. This variant is present in ClinVar (Variation ID:582318). This variant amino acid (Ile) is present in several species including the multiple mammals, and it is not well conserved among evolutionarily distant species; this suggests that this variant may not impact the protein. Additional computational prediction tools do not suggest an impact. In summary, data on this variant is insufficient for disease classification. Therefore, the clinical significance of this variant is uncertain.

NM_017617.5(NOTCH1):c.3334G>A (p.Val1112Ile)

Gene: NOTCH1 (notch receptor 1; minus strand). Cytogenetic location: 9q34.3.
Variant type: single nucleotide variant.
Coding change: c.3334G>A on transcript NM_017617.5 (MANE Select); coding-DNA position 3334, G replaced by A.
Protein change: p.Val1112Ile; replaces valine 1112 with isoleucine.
Molecular consequence: missense variant.
Genome position (GRCh38, 1-based): chr9:136,508,131, C>T on the plus strand (G>A on the coding strand, the complement: NOTCH1 is on the minus strand). VCF-style: chr9-136508131-C-T. GRCh37 (hg19) VCF-style: chr9-139402583-C-T.
Other names: c.3334G>A, p.Val1112Ile (LRG_1122t1); short protein forms V1112I.
Identifiers: ClinVar variation 582318 (VCV000582318.23), dbSNP rs370696201, ClinGen allele CA5340954.